The following is an entry in ClinVar:

NM_001286577.2(C2CD3):c.4013G>A (p.Trp1338Ter)

Gene: C2CD3 (C2 domain containing 3 centriole elongation regulator; minus strand). Cytogenetic location: 11q13.4.
Variant type: single nucleotide variant.
Coding change: c.4013G>A on transcript NM_001286577.2 (MANE Select); coding-DNA position 4013, G replaced by A.
Protein change: p.Trp1338Ter; replaces tryptophan 1338 with a stop codon.
Molecular consequence: nonsense.
Genome position (GRCh38, 1-based): chr11:74,078,705, C>T on the plus strand (G>A on the coding strand, the complement: C2CD3 is on the minus strand). VCF-style: chr11-74078705-C-T. GRCh37 (hg19) VCF-style: chr11-73789750-C-T.
Other names: c.4013G>A, p.Trp1338Ter (NM_015531.6); short protein forms W1338*.
Identifiers: ClinVar variation 3621202 (VCV003621202.2).
Genomic context (GRCh38, chr11:74,078,705, plus strand): 5'-TTCTGCATGAGCTCCAGGCCATGAGGTAGGCCCCCGTCTTCTGGTAAAATGATAGGATAC[C>T]ATCCTGTGATCCCTTACGGGAGAAAATAAAGATTCTCAATTATAGTCTTAAAAGTAAACA-3'

ClinVar aggregate classification (germline): Pathogenic (1 of 4 stars; one submission).

gnomAD v4.1: 19 of 1,600,512 alleles (0.0012%); highest among the groups gnomAD compares: Non-Finnish European, 0.0014%; no homozygotes.

Submission:

Labcorp Genetics (formerly Invitae), Labcorp
Classification: Pathogenic. Last evaluated: 2026-01-05. Review status: criteria provided, single submitter. Criteria: Invitae Variant Classification Sherloc (09022015). Collection method: clinical testing. Allele origin: germline.
Comment: This sequence change creates a premature translational stop signal (p.Trp1338*) in the C2CD3 gene. It is expected to result in an absent or disrupted protein product. Loss-of-function variants in C2CD3 are known to be pathogenic (PMID: 24997988, 26477546). This variant is present in population databases (rs762384816, gnomAD 0.003%). This variant has not been reported in the literature in individuals affected with C2CD3-related conditions. ClinVar contains an entry for this variant (Variation ID: 3621202). For these reasons, this variant has been classified as Pathogenic.

Literature cited by the submitters: PubMed 24997988; PubMed 26477546.